The following is an entry in ClinVar:

NM_001365536.1(SCN9A):c.1318A>G (p.Ile440Val)

Genes: SCN1A-AS1 (SCN1A and SCN9A antisense RNA 1; plus strand), SCN9A (sodium voltage-gated channel alpha subunit 9; minus strand). Cytogenetic location: 2q24.3.
Variant type: single nucleotide variant.
Coding change: c.1318A>G on transcript NM_001365536.1 (MANE Select); coding-DNA position 1318, A replaced by G.
Protein change: p.Ile440Val; replaces isoleucine 440 with valine.
Molecular consequence: missense variant.
Genome position (GRCh38, 1-based): chr2:166,286,620, T>C on the plus strand (A>G on the coding strand, the complement: SCN9A is on the minus strand). VCF-style: chr2-166286620-T-C. GRCh37 (hg19) VCF-style: chr2-167143130-T-C.
Other names: c.1318A>G, p.Ile440Val (NM_002977.4); short protein forms I440V.
Identifiers: ClinVar variation 1387001 (VCV001387001.8), dbSNP rs2106487935, ClinGen allele CA349085002.
Genomic context (GRCh38, chr2:166,286,620, plus strand): 5'-CTGAGAGGCCCATAATTCTGCTTCTCCTAATACTTGTATATTCAGCCGCTGCCGCTGCAA[T>C]TGCCTGGTTGGGCCAAGACGTTAACACTTAAATGAGTCATTTCCAAATCCTAGGAAACCC-3'
Protein context (NP_001352465.1, residues 430-450): LKKEQEEAEA[Ile440Val]AAAAAEYTSI

ClinVar aggregate classification (germline): Uncertain significance (1 of 4 stars; one submission).

Conditions:
Neuropathy, hereditary sensory and autonomic, type 2A (HSAN2A). Also called: ACROOSTEOLYSIS, GIACCAI TYPE; ACROOSTEOLYSIS, NEUROGENIC; NEUROPATHY, CONGENITAL SENSORY; NEUROPATHY, HEREDITARY SENSORY RADICULAR, AUTOSOMAL RECESSIVE; NEUROPATHY, HEREDITARY SENSORY, TYPE IIA; NEUROPATHY, PROGRESSIVE SENSORY, OF CHILDREN. Identifiers: Orphanet 970, MedGen C2752089, MONDO:0024309, OMIM 201300.
Generalized epilepsy with febrile seizures plus, type 7 (GEFSP7). Also called: GEFS+, TYPE 7. Identifiers: Orphanet 36387, MedGen C2751778, MONDO:0013470, OMIM 613863.

Allele frequency attached by ClinVar (database versions not stated): gnomAD exomes 0.00001.
gnomAD v4.1: 9 of 1,538,832 alleles (0.00058%); highest among the groups gnomAD compares: Non-Finnish European, 0.00078%; no homozygotes.

Submission:

Labcorp Genetics (formerly Invitae), Labcorp
Classification: Uncertain significance for Neuropathy, hereditary sensory and autonomic, type 2A; Generalized epilepsy with febrile seizures plus, type 7. Last evaluated: 2021-02-22. Review status: criteria provided, single submitter. Criteria: Invitae Variant Classification Sherloc (09022015). Collection method: clinical testing. Allele origin: germline.
Comment: This sequence change replaces isoleucine with valine at codon 440 of the SCN9A protein (p.Ile440Val). The isoleucine residue is highly conserved and there is a small physicochemical difference between isoleucine and valine. In summary, the available evidence is currently insufficient to determine the role of this variant in disease. Therefore, it has been classified as a Variant of Uncertain Significance. Algorithms developed to predict the effect of missense changes on protein structure and function (SIFT, PolyPhen-2, Align-GVGD) all suggest that this variant is likely to be tolerated, but these predictions have not been confirmed by published functional studies and their clinical significance is uncertain. This variant has not been reported in the literature in individuals with SCN9A-related conditions. This variant is not present in population databases (ExAC no frequency).